The following is an entry in ClinVar:

ClinVar aggregate classification (germline): Uncertain significance (1 of 4 stars; one submission).

Submission:

Ambry Genetics
Classification: Uncertain significance. Last evaluated: 2021-07-16. Review status: criteria provided, single submitter. Criteria: Ambry Variant Classification Scheme 2023. Collection method: clinical testing. Allele origin: germline.
Comment: The p.S12G variant (also known as c.34A>G), located in coding exon 1 of the EGLN1 gene, results from an A to G substitution at nucleotide position 34. The serine at codon 12 is replaced by glycine, an amino acid with similar properties. This amino acid position is conserved. In addition, this alteration is predicted to be tolerated by in silico analysis. Since supporting evidence is limited at this time, the clinical significance of this alteration remains unclear.

NM_022051.3(EGLN1):c.34A>G (p.Ser12Gly)

Gene: EGLN1 (egl-9 family hypoxia inducible factor 1; minus strand). Cytogenetic location: 1q42.2.
Variant type: single nucleotide variant.
Coding change: c.34A>G on transcript NM_022051.3 (MANE Select); coding-DNA position 34, A replaced by G.
Protein change: p.Ser12Gly; replaces serine 12 with glycine.
Molecular consequence: missense variant.
Genome position (GRCh38, 1-based): chr1:231,421,855, T>C on the plus strand (A>G on the coding strand, the complement: EGLN1 is on the minus strand). VCF-style: chr1-231421855-T-C. GRCh37 (hg19) VCF-style: chr1-231557601-T-C.
Other names: c.34A>G, p.Ser12Gly (NM_001377260.1, NM_001377261.1); short protein forms S12G.
Identifiers: ClinVar variation 1732040 (VCV001732040.2), dbSNP rs2527362319, ClinGen allele CA345239418.
Genomic context (GRCh38, chr1:231,421,855, plus strand): 5'-GCAGCAGGTTCTCCATCTTCCCGCACAGCTCGCAGTACTGCCGGTCTCGCTCGCTCGGGC[T>C]CGGCCCGCCGGGCCCGCCGCTGTCATTGGCCATGGCGGCGGCGGCGGCGGCGACGGCGAC-3'
Protein context (NP_071334.1, residues 2-22): ANDSGGPGGP[Ser12Gly]PSERDRQYCE